The following is an entry in ClinVar:

ClinVar aggregate classification (germline): Conflicting classifications of pathogenicity. Review status: criteria provided, conflicting classifications (1 of 4 stars). 5 submissions from 5 submitters: Uncertain significance (1); Likely benign (4). Last evaluated 2026-01-11.

Conditions:
Joubert syndrome. Also called: Familial aplasia of the vermis; JOUBERT-BOLTSHAUSER SYNDROME. Identifiers: Orphanet 475, MedGen C5979921, MONDO:0018772.
Joubert syndrome 3 (JBTS3). Also called: AHI1-related Ciliopathy. Identifiers: Orphanet 220493, MedGen C1837713, MONDO:0012078, OMIM 608629.

Allele frequency attached by ClinVar (database versions not stated): TOPMed 0.00008; 1000 Genomes Project 30x 0.00016; 1000 Genomes Project 0.00020.
gnomAD v4.1: 303 of 1,608,930 alleles (0.019%); highest among the groups gnomAD compares: East Asian, 0.66%; 3 homozygotes.

Submissions (5):

Labcorp Genetics (formerly Invitae), Labcorp
Classification: Likely benign for Joubert syndrome. Last evaluated: 2026-01-11. Review status: criteria provided, single submitter. Criteria: Invitae Variant Classification Sherloc (09022015). Collection method: clinical testing. Allele origin: germline.

Blueprint Genetics
Classification: Likely benign. Last evaluated: 2024-11-15. Review status: criteria provided, single submitter. Criteria: ACMG Guidelines, 2015. Collection method: clinical testing. Allele origin: germline.

Fulgent Genetics
Classification: Likely benign for Joubert syndrome 3. Last evaluated: 2024-02-27. Review status: criteria provided, single submitter. Criteria: ACMG Guidelines, 2015. Collection method: clinical testing. Allele origin: germline.

Department of Pathology and Laboratory Medicine, Sinai Health System
Classification: Uncertain significance for Joubert syndrome 3. Last evaluated: 2022-05-06. Review status: criteria provided, single submitter. Criteria: ACMG Guidelines, 2015. Collection method: research. Allele origin: germline.

Illumina Laboratory Services, Illumina
Classification: Likely benign for Joubert syndrome 3. Last evaluated: 2017-05-02. Review status: criteria provided, single submitter. Criteria: ICSL Variant Classification Criteria 13 December 2019. Collection method: clinical testing. Allele origin: germline.
Comment: This variant was observed as part of a predisposition screen in an ostensibly healthy population. A literature search was performed for the gene, cDNA change, and amino acid change (where applicable). Publications were found based on this search. The evidence from the literature, in combination with allele frequency data from public databases where available, was sufficient to determine this variant is unlikely to cause disease. Therefore, this variant is classified as likely benign.

Literature cited by the submitters: PubMed 16453322 (cited by Illumina Laboratory Services, Illumina).

NM_001134831.2(AHI1):c.2567C>G (p.Thr856Ser)

Gene: AHI1 (Abelson helper integration site 1; minus strand). Cytogenetic location: 6q23.3.
Variant type: single nucleotide variant.
Coding change: c.2567C>G on transcript NM_001134831.2 (MANE Select); coding-DNA position 2567, C replaced by G.
Protein change: p.Thr856Ser; replaces threonine 856 with serine.
Molecular consequence: missense variant.
Genome position (GRCh38, 1-based): chr6:135,428,685, G>C on the plus strand (C>G on the coding strand, the complement: AHI1 is on the minus strand). VCF-style: chr6-135428685-G-C. GRCh37 (hg19) VCF-style: chr6-135749823-G-C.
Other names: c.2567C>G, p.Thr856Ser (NM_001134830.2, NM_001134832.2, NM_001350503.2 and 2 more transcripts); short protein forms T856S.
Identifiers: ClinVar variation 907345 (VCV000907345.13), dbSNP rs199736888, ClinGen allele CA4012340.